The following is an entry in ClinVar:

NM_000051.4(ATM):c.7330G>C (p.Glu2444Gln)

Genes: ATM (ATM serine/threonine kinase; plus strand), C11orf65 (chromosome 11 open reading frame 65; minus strand). Cytogenetic location: 11q22.3.
Variant type: single nucleotide variant.
Coding change: c.7330G>C on transcript NM_000051.4 (MANE Select); coding-DNA position 7330, G replaced by C.
Protein change: p.Glu2444Gln; replaces glutamic acid 2444 with glutamine.
Molecular consequence: missense variant. On other transcripts: intron variant (2).
Genome position (GRCh38, 1-based): chr11:108,330,236, G>C. VCF-style: chr11-108330236-G-C. GRCh37 (hg19) VCF-style: chr11-108200963-G-C.
Other names: c.7330G>C, p.Glu2444Gln (NM_001351834.2); c.641-21165C>G (NM_001330368.2); c.*38+4984C>G (NM_001351110.2); short protein forms E2444Q.
Identifiers: ClinVar variation 1758384 (VCV001758384.2), dbSNP rs2136453151, ClinGen allele CA382559901.

ClinVar aggregate classification (germline): Uncertain significance (1 of 4 stars; one submission).

Conditions:
Hereditary cancer-predisposing syndrome. Also called: Hereditary neoplastic syndrome; Neoplastic Syndromes, Hereditary; Tumor predisposition; Hereditary Cancer Syndrome. Identifiers: Orphanet 140162, MedGen C0027672, MeSH D009386, MONDO:0015356.

Submission:

Ambry Genetics
Classification: Uncertain significance for Hereditary cancer-predisposing syndrome. Last evaluated: 2021-01-20. Review status: criteria provided, single submitter. Criteria: Ambry Variant Classification Scheme 2023. Collection method: clinical testing. Allele origin: germline.
Comment: The p.E2444Q variant (also known as c.7330G>C), located in coding exon 49 of the ATM gene, results from a G to C substitution at nucleotide position 7330. The glutamic acid at codon 2444 is replaced by glutamine, an amino acid with highly similar properties. This amino acid position is highly conserved in available vertebrate species. In addition, the in silico prediction for this alteration is inconclusive. Since supporting evidence is limited at this time, the clinical significance of this alteration remains unclear.